The following is an entry in ClinVar:

NM_000138.5(FBN1):c.3963A>T (p.Thr1321=)

Gene: FBN1 (fibrillin 1; minus strand). Cytogenetic location: 15q21.1.
Variant type: single nucleotide variant.
Coding change: c.3963A>T on transcript NM_000138.5 (MANE Select); coding-DNA position 3963, A replaced by T.
Protein change: p.Thr1321=; no amino-acid change (threonine 1321 retained).
Molecular consequence: synonymous variant.
Genome position (GRCh38, 1-based): chr15:48,481,656, T>A on the plus strand (A>T on the coding strand, the complement: FBN1 is on the minus strand). VCF-style: chr15-48481656-T-A. GRCh37 (hg19) VCF-style: chr15-48773853-T-A.
Other names: c.3963A>T, p.Thr1321= (NM_001406716.1).
Identifiers: ClinVar variation 2948241 (VCV002948241.3), dbSNP rs140648, ClinGen allele CA490016037.

ClinVar aggregate classification (germline): Uncertain significance (1 of 4 stars; one submission).

Conditions:
Marfan syndrome (MFS). Also called: MARFAN SYNDROME, TYPE I; Marfan syndrome type 1; Marfan's syndrome; Marfan syndrome, classic; FBN1-Related Marfan Syndrome. Identifiers: Orphanet 284963, Orphanet 558, MedGen C0024796, MONDO:0007947, OMIM 154700.
Familial thoracic aortic aneurysm and aortic dissection (TAAD). Also called: Thoracic aortic aneurysms and dissections. Identifiers: Orphanet 91387, MedGen C4707243, MONDO:0019625.

Submission:

Labcorp Genetics (formerly Invitae), Labcorp
Classification: Uncertain significance for Marfan syndrome; Familial thoracic aortic aneurysm and aortic dissection. Last evaluated: 2023-05-26. Review status: criteria provided, single submitter. Criteria: Invitae Variant Classification Sherloc (09022015). Collection method: clinical testing. Allele origin: germline.
Comment: This sequence change affects codon 1321 of the FBN1 mRNA. It is a 'silent' change, meaning that it does not change the encoded amino acid sequence of the FBN1 protein. It affects a nucleotide within the consensus splice site. This variant is not present in population databases (gnomAD no frequency). This variant has not been reported in the literature in individuals affected with FBN1-related conditions. In summary, the available evidence is currently insufficient to determine the role of this variant in disease. Therefore, it has been classified as a Variant of Uncertain Significance. Algorithms developed to predict the effect of sequence changes on RNA splicing suggest that this variant may disrupt the consensus splice site.